The following is an entry in ClinVar:

NM_144997.7(FLCN):c.1595_1603del (p.Thr532_Leu535delinsMet)

Gene: FLCN (folliculin; minus strand). Cytogenetic location: 17p11.2.
Variant type: Deletion.
Coding change: c.1595_1603del on transcript NM_144997.7 (MANE Select); coding-DNA positions 1595 to 1603, 9 bases deleted (CACAGAAGC; older notation c.1595_1603delCACAGAAGC).
Protein change: p.Thr532_Leu535delinsMet.
Molecular consequence: inframe indel.
Genome position (GRCh38, 1-based): chr17:17,213,792-17,213,800, GCTTCTGTG deleted on the plus strand (CACAGAAGC on the coding strand, the reverse complement: FLCN is on the minus strand). VCF-style (leftmost placement, unchanged base first): chr17-17213791-AGCTTCTGTG-A. GRCh37 (hg19) VCF-style: chr17-17117105-AGCTTCTGTG-A.
Other names: c.1595_1603del (NM_144997.5); c.1649_1657del, p.Thr550_Leu553delinsMet (NM_001353229.2); c.1595_1603del, p.Thr532_Leu535delinsMet (NM_001353230.2, NM_001353231.2); c.1595_1603delCACAGAAGC, p.Thr532_Leu535delinsMet (NM_144997.5).
Identifiers: ClinVar variation 2999824 (VCV002999824.4), dbSNP rs2544124841, ClinGen allele CA2740095279.

ClinVar aggregate classification (germline): Uncertain significance. Review status: criteria provided, multiple submitters, no conflicts (2 of 4 stars). 2 submissions from 2 submitters: Uncertain significance (2). Last evaluated 2024-01-09.

Conditions:
Birt-Hogg-Dube syndrome. Also called: Birt Hogg Dubé syndrome. Identifiers: Orphanet 122, MedGen C0346010, MONDO:0800444.

Submissions (2):

GeneDx
Classification: Uncertain significance. Last evaluated: 2024-01-09. Review status: criteria provided, single submitter. Criteria: GeneDx Variant Classification Process June 2021. Collection method: clinical testing. Allele origin: germline. Affected: yes.
Comment: In-frame deletion of 4 amino acids and insertion of 1 amino acid in a non-repeat region; Not observed at significant frequency in large population cohorts (gnomAD); In silico analysis supports a deleterious effect on protein structure/function; Has not been previously published as pathogenic or benign to our knowledge; This variant is associated with the following publications: (PMID: 17028174)

Labcorp Genetics (formerly Invitae), Labcorp
Classification: Uncertain significance for Birt-Hogg-Dube syndrome. Last evaluated: 2023-03-11. Review status: criteria provided, single submitter. Criteria: Invitae Variant Classification Sherloc (09022015). Collection method: clinical testing. Allele origin: germline.
Comment: In summary, the available evidence is currently insufficient to determine the role of this variant in disease. Therefore, it has been classified as a Variant of Uncertain Significance. Experimental studies and prediction algorithms are not available or were not evaluated, and the functional significance of this variant is currently unknown. This variant has not been reported in the literature in individuals affected with FLCN-related conditions. This variant is not present in population databases (gnomAD no frequency). This variant, c.1595_1603del, is a complex sequence change that results in the deletion of 4 and insertion of 1 amino acid(s) in the FLCN protein (p.Thr532_Leu535delinsMet).